The following is an entry in ClinVar:

NM_001379081.2(FREM1):c.5678A>G (p.Glu1893Gly)

Gene: FREM1 (FRAS1 related extracellular matrix 1; minus strand). Cytogenetic location: 9p22.3.
Variant type: single nucleotide variant.
Coding change: c.5678A>G on transcript NM_001379081.2 (MANE Select); coding-DNA position 5678, A replaced by G.
Protein change: p.Glu1893Gly; replaces glutamic acid 1893 with glycine.
Molecular consequence: missense variant. On other transcripts: non-coding transcript variant (3).
Genome position (GRCh38, 1-based): chr9:14,748,519, T>C on the plus strand (A>G on the coding strand, the complement: FREM1 is on the minus strand). VCF-style: chr9-14748519-T-C. GRCh37 (hg19) VCF-style: chr9-14748517-T-C.
Other names: c.1286A>G, p.Glu429Gly (NM_001177704.3, NM_001370061.2); c.1136A>G, p.Glu379Gly (NM_001370058.2); c.5678A>G, p.Glu1893Gly (NM_144966.7); short protein forms E1893G, E429G, E379G.
Identifiers: ClinVar variation 2122625 (VCV002122625.4), dbSNP rs2539194532, ClinGen allele CA372956040.

ClinVar aggregate classification (germline): Uncertain significance (1 of 4 stars; one submission).

Allele frequency attached by ClinVar (database versions not stated): gnomAD exomes below 0.00001.
gnomAD v4.1: 3 of 1,613,856 alleles (0.00019%); highest among the groups gnomAD compares: Non-Finnish European, 0.00017%; no homozygotes.

Submission:

Labcorp Genetics (formerly Invitae), Labcorp
Classification: Uncertain significance. Last evaluated: 2022-04-07. Review status: criteria provided, single submitter. Criteria: Invitae Variant Classification Sherloc (09022015). Collection method: clinical testing. Allele origin: germline.
Comment: Algorithms developed to predict the effect of missense changes on protein structure and function are either unavailable or do not agree on the potential impact of this missense change (SIFT: "Deleterious"; PolyPhen-2: "Benign"; Align-GVGD: "Class C0"). This variant has not been reported in the literature in individuals affected with FREM1-related conditions. This variant is not present in population databases (gnomAD no frequency). This sequence change replaces glutamic acid, which is acidic and polar, with glycine, which is neutral and non-polar, at codon 1893 of the FREM1 protein (p.Glu1893Gly). In summary, the available evidence is currently insufficient to determine the role of this variant in disease. Therefore, it has been classified as a Variant of Uncertain Significance.